The following is an entry in ClinVar:

NM_031935.3(HMCN1):c.5290C>T (p.Pro1764Ser)

Gene: HMCN1 (hemicentin 1; plus strand). Cytogenetic location: 1q31.1.
Variant type: single nucleotide variant.
Coding change: c.5290C>T on transcript NM_031935.3 (MANE Select); coding-DNA position 5290, C replaced by T.
Protein change: p.Pro1764Ser; replaces proline 1764 with serine.
Molecular consequence: missense variant.
Genome position (GRCh38, 1-based): chr1:186,017,061, C>T. VCF-style: chr1-186017061-C-T. GRCh37 (hg19) VCF-style: chr1-185986193-C-T.
Other names: short protein forms P1764S.
Identifiers: ClinVar variation 2092094 (VCV002092094.4), dbSNP rs769181750, ClinGen allele CA1292215.

ClinVar aggregate classification (germline): Uncertain significance (1 of 4 stars; one submission).

Allele frequency attached by ClinVar (database versions not stated): gnomAD exomes below 0.00001; gnomAD 0.00001; ExAC 0.00003.
gnomAD v4.1: 6 of 1,581,790 alleles (0.00038%); highest among the groups gnomAD compares: South Asian, 0.0011%; no homozygotes.

Submission:

Labcorp Genetics (formerly Invitae), Labcorp
Classification: Uncertain significance. Last evaluated: 2022-05-03. Review status: criteria provided, single submitter. Criteria: Invitae Variant Classification Sherloc (09022015). Collection method: clinical testing. Allele origin: germline.
Comment: This sequence change replaces proline, which is neutral and non-polar, with serine, which is neutral and polar, at codon 1764 of the HMCN1 protein (p.Pro1764Ser). This variant is present in population databases (rs769181750, gnomAD 0.004%). In summary, the available evidence is currently insufficient to determine the role of this variant in disease. Therefore, it has been classified as a Variant of Uncertain Significance. Algorithms developed to predict the effect of missense changes on protein structure and function are either unavailable or do not agree on the potential impact of this missense change (SIFT: "Deleterious"; PolyPhen-2: "Probably Damaging"; Align-GVGD: "Class C0"). This variant has not been reported in the literature in individuals affected with HMCN1-related conditions.